The following is an entry in ClinVar:

ClinVar aggregate classification (germline): Pathogenic/Likely pathogenic. Review status: criteria provided, multiple submitters, no conflicts (2 of 4 stars). 3 submissions from 3 submitters: Pathogenic (2); Likely pathogenic (1). Last evaluated 2025-01-09.

Conditions:
Telangiectasia, hereditary hemorrhagic, type 2 (HHT2). Also called: ACVRL1-Related Hereditary Hemorrhagic Telangiectasia; Telangiectasia, hereditary hemorrhagic, type II. Identifiers: Orphanet 774, MedGen C1838163, MONDO:0010880, OMIM 600376. Disease mechanism: loss of function.
Cardiovascular phenotype. Identifiers: MedGen CN230736.

Submissions (3):

Ambry Genetics
Classification: Pathogenic for Cardiovascular phenotype. Last evaluated: 2025-01-09. Review status: criteria provided, single submitter. Criteria: Ambry Variant Classification Scheme 2023. Collection method: clinical testing. Allele origin: germline.
Comment: The c.375delC pathogenic mutation, located in coding exon 3 of the ACVRL1 gene, results from a deletion of one nucleotide at nucleotide position 375, causing a translational frameshift with a predicted alternate stop codon (p.V126Cfs*39). This variant is considered to be rare based on population cohorts in the Genome Aggregation Database (gnomAD). This alteration is expected to result in loss of function by premature protein truncation or nonsense-mediated mRNA decay. As such, this alteration is interpreted as a disease-causing mutation.

Labcorp Genetics (formerly Invitae), Labcorp
Classification: Pathogenic for Telangiectasia, hereditary hemorrhagic, type 2. Last evaluated: 2020-11-25. Review status: criteria provided, single submitter. Criteria: Invitae Variant Classification Sherloc (09022015). Collection method: clinical testing. Allele origin: germline.
Comment: For these reasons, this variant has been classified as Pathogenic. This variant has not been reported in the literature in individuals with ACVRL1-related conditions. This variant is not present in population databases (ExAC no frequency). This sequence change creates a premature translational stop signal (p.Val126Cysfs*39) in the ACVRL1 gene. It is expected to result in an absent or disrupted protein product. Loss-of-function variants in ACVRL1 are known to be pathogenic (PMID: 15879500).

Juno Genomics, Hangzhou Juno Genomics, Inc
Classification: Likely pathogenic for Telangiectasia, hereditary hemorrhagic, type 2. Review status: criteria provided, single submitter. Criteria: ACMG Guidelines, 2015. Collection method: clinical testing. Allele origin: germline.
Comment: Absent from controls (or at extremely low frequency if recessive) in Genome Aggregation Database.;Null variant in a gene where loss of function (LOF) is a known mechanism of disease.

Literature cited by the submitters: PubMed 15879500 (cited by Labcorp Genetics (formerly Invitae), Labcorp).

NM_000020.3(ACVRL1):c.375del (p.Val126fs)

Gene: ACVRL1 (activin A receptor like type 1; plus strand). Cytogenetic location: 12q13.13.
Variant type: Deletion.
Coding change: c.375del on transcript NM_000020.3 (MANE Select); coding-DNA position 375, one base deleted (C; older notation c.375delC).
Protein change: p.Val126fs; shifts the reading frame from valine 126.
Molecular consequence: frameshift variant.
Genome position (GRCh38, 1-based): chr12:51,913,620, C deleted; the last of 4 consecutive C bases (chr12:51,913,617-51,913,620); deleting any one gives the same sequence. VCF-style (leftmost placement, unchanged base first): chr12-51913616-GC-G. GRCh37 (hg19) VCF-style: chr12-52307400-GC-G.
Other names: c.375del, p.Val126fs (NM_001077401.2); short protein forms V126fs.
Identifiers: ClinVar variation 1363480 (VCV001363480.11), dbSNP rs1940751760, ClinGen allele CA2573148776.